The following is an entry in ClinVar:

ClinVar aggregate classification (germline): Pathogenic (1 of 4 stars; one submission).

Conditions:
GNE myopathy (NM). Also called: INCLUSION BODY MYOPATHY 2, AUTOSOMAL RECESSIVE; MYOPATHY, DISTAL, WITH OR WITHOUT RIMMED VACUOLES; IBM 2; Inclusion body myopathy autosomal recessive; Inclusion body myopathy quadriceps sparing; NONAKA DISTAL MYOPATHY. Identifiers: Orphanet 602, MedGen C1853926, MONDO:0011603, OMIM 605820.

Submission:

Myriad Genetics, Inc.
Classification: Pathogenic for GNE myopathy. Last evaluated: 2024-05-07. Review status: criteria provided, single submitter. Criteria: Myriad Autosomal Dominant, Autosomal Recessive and X-Linked Classification Criteria (2023). Collection method: clinical testing. Allele origin: unknown.
Comment: NM_001128227.2(GNE):c.1188_1189delTG(A397Cfs*35) is expected to be pathogenic in the context of GNE myopathy. This variant is predicted to lead to an abnormal or absent protein product due to the creation of a premature termination codon in GNE, a gene where loss-of-function variants are known to be pathogenic. Please note: this variant was assessed in the context of healthy population screening.

NM_005476.7(GNE):c.1095_1096del (p.Ala366fs)

Gene: GNE (glucosamine (UDP-N-acetyl)-2-epimerase/N-acetylmannosamine kinase; minus strand). Cytogenetic location: 9p13.3.
Variant type: Deletion.
Coding change: c.1095_1096del on transcript NM_005476.7 (MANE Select); coding-DNA positions 1095 to 1096, 2 bases deleted (TG; older notation c.1095_1096delTG).
Protein change: p.Ala366fs; shifts the reading frame from alanine 366.
Molecular consequence: frameshift variant.
Genome position (GRCh38, 1-based): chr9:36,227,433-36,227,434, CA deleted on the plus strand (TG on the coding strand, the reverse complement: GNE is on the minus strand). VCF-style (leftmost placement, unchanged base first): chr9-36227432-GCA-G. GRCh37 (hg19) VCF-style: chr9-36227429-GCA-G.
Other names: c.1188_1189del, p.Ala397fs (NM_001128227.3); c.1095_1096del, p.Ala366fs (NM_001190383.3); c.765_766del, p.Ala256fs (NM_001190384.3); c.918_919del, p.Ala307fs (NM_001190388.2, NM_001374798.1); c.942_943del, p.Ala315fs (NM_001374797.1); short protein forms A256fs, A307fs, A315fs, A366fs, A397fs.
Identifiers: ClinVar variation 5013016 (VCV005013016.1).